The following is an entry in ClinVar:

ClinVar aggregate classification (germline): Uncertain significance (1 of 4 stars; one submission).

Submission:

GeneDx
Classification: Uncertain significance. Last evaluated: 2022-12-13. Review status: criteria provided, single submitter. Criteria: GeneDx Variant Classification Process June 2021. Collection method: clinical testing. Allele origin: germline. Affected: yes.
Comment: Not observed at significant frequency in large population cohorts (gnomAD); In silico analysis supports that this missense variant has a deleterious effect on protein structure/function; Has not been previously published as pathogenic or benign to our knowledge

NM_001376571.1(MADD):c.2558T>G (p.Leu853Arg)

Gene: MADD (MAP kinase activating death domain; plus strand). Cytogenetic location: 11p11.2.
Variant type: single nucleotide variant.
Coding change: c.2558T>G on transcript NM_001376571.1 (MANE Select); coding-DNA position 2558, T replaced by G.
Protein change: p.Leu853Arg; replaces leucine 853 with arginine.
Molecular consequence: missense variant. On other transcripts: non-coding transcript variant (8), intron variant (6).
Genome position (GRCh38, 1-based): chr11:47,286,439, T>G. VCF-style: chr11-47286439-T-G. GRCh37 (hg19) VCF-style: chr11-47307990-T-G.
Other names: c.2429T>G, p.Leu810Arg (NM_001135943.2, NM_001135944.2, NM_001376581.1 and 39 more transcripts); c.2558T>G, p.Leu853Arg (NM_001376572.1, NM_001376573.1, NM_001376574.1 and 27 more transcripts); c.2531T>G, p.Leu844Arg (NM_001376578.1, NM_001376631.1); c.2405T>G, p.Leu802Arg (NM_001376602.1); c.2354T>G, p.Leu785Arg (NM_001376620.1, NM_001376626.1, NM_001376648.1 and 1 more transcripts); c.2225T>G, p.Leu742Arg (NM_001376627.1, NM_001376635.1, NM_001376644.1 and 5 more transcripts); c.2402T>G, p.Leu801Arg (NM_001376632.1, NM_001376649.1); c.1892T>G, p.Leu631Arg (NM_001376663.1); and 2 more; short protein forms L631R, L742R, L785R, L801R, L802R, L810R, L844R, L853R.
Identifiers: ClinVar variation 2505894 (VCV002505894.1), dbSNP rs2543568028, ClinGen allele CA380340594.